The following is an entry in ClinVar:

NM_173630.4(RTTN):c.5092G>T (p.Val1698Leu)

Gene: RTTN (rotatin; minus strand). Cytogenetic location: 18q22.2.
Variant type: single nucleotide variant.
Coding change: c.5092G>T on transcript NM_173630.4 (MANE Select); coding-DNA position 5092, G replaced by T.
Protein change: p.Val1698Leu; replaces valine 1698 with leucine.
Molecular consequence: missense variant.
Genome position (GRCh38, 1-based): chr18:70,054,224, C>A on the plus strand (G>T on the coding strand, the complement: RTTN is on the minus strand). VCF-style: chr18-70054224-C-A. GRCh37 (hg19) VCF-style: chr18-67721460-C-A.
Other names: c.5092G>T (NM_173630.3); c.2356G>T, p.Val786Leu (NM_001318520.2); short protein forms V786L, V1698L.
Identifiers: ClinVar variation 1915437 (VCV001915437.6), dbSNP rs756353809, ClinGen allele CA8995046.

ClinVar aggregate classification (germline): Uncertain significance. Review status: criteria provided, multiple submitters, no conflicts (2 of 4 stars). 2 submissions from 2 submitters: Uncertain significance (2). Last evaluated 2022-12-27.

Allele frequency attached by ClinVar (database versions not stated): ExAC 0.00001; TOPMed 0.00003; gnomAD 0.00004.
gnomAD v4.1: 6 of 1,613,680 alleles (0.00037%); highest among the groups gnomAD compares: African/African-American, 0.008%; no homozygotes.

Submissions (2):

GeneDx
Classification: Uncertain significance. Last evaluated: 2022-12-27. Review status: criteria provided, single submitter. Criteria: GeneDx Variant Classification Process June 2021. Collection method: clinical testing. Allele origin: germline. Affected: yes.
Comment: Not observed at significant frequency in large population cohorts (gnomAD); In silico analysis supports that this missense variant does not alter protein structure/function; Has not been previously published as pathogenic or benign to our knowledge

Labcorp Genetics (formerly Invitae), Labcorp
Classification: Uncertain significance. Last evaluated: 2022-02-22. Review status: criteria provided, single submitter. Criteria: Invitae Variant Classification Sherloc (09022015). Collection method: clinical testing. Allele origin: germline.
Comment: In summary, the available evidence is currently insufficient to determine the role of this variant in disease. Therefore, it has been classified as a Variant of Uncertain Significance. Algorithms developed to predict the effect of missense changes on protein structure and function (SIFT, PolyPhen-2, Align-GVGD) all suggest that this variant is likely to be tolerated. This variant has not been reported in the literature in individuals affected with RTTN-related conditions. This variant is present in population databases (rs756353809, gnomAD 0.01%). This sequence change replaces valine, which is neutral and non-polar, with leucine, which is neutral and non-polar, at codon 1698 of the RTTN protein (p.Val1698Leu).